The following is an entry in ClinVar:

NM_020693.4(DSCAML1):c.5804G>A (p.Arg1935Gln)

Gene: DSCAML1 (DS cell adhesion molecule like 1; minus strand). Cytogenetic location: 11q23.3.
Variant type: single nucleotide variant.
Coding change: c.5804G>A on transcript NM_020693.4 (MANE Select); coding-DNA position 5804, G replaced by A.
Protein change: p.Arg1935Gln; replaces arginine 1935 with glutamine.
Molecular consequence: missense variant.
Genome position (GRCh38, 1-based): chr11:117,428,686, C>T on the plus strand (G>A on the coding strand, the complement: DSCAML1 is on the minus strand). VCF-style: chr11-117428686-C-T. GRCh37 (hg19) VCF-style: chr11-117299402-C-T.
Other names: short protein forms R1935Q.
Identifiers: ClinVar variation 3013886 (VCV003013886.3), dbSNP rs764639033, ClinGen allele CA6295963.

ClinVar aggregate classification (germline): Uncertain significance (1 of 4 stars; one submission).

Allele frequency attached by ClinVar (database versions not stated): ExAC 0.00001; gnomAD exomes 0.00002.
gnomAD v4.1: 29 of 1,612,612 alleles (0.0018%); highest among the groups gnomAD compares: Middle Eastern, 0.033%; 1 homozygote.

Submission:

Labcorp Genetics (formerly Invitae), Labcorp
Classification: Uncertain significance. Last evaluated: 2024-04-14. Review status: criteria provided, single submitter. Criteria: Invitae Variant Classification Sherloc (09022015). Collection method: clinical testing. Allele origin: germline.
Comment: This sequence change replaces arginine, which is basic and polar, with glutamine, which is neutral and polar, at codon 1995 of the DSCAML1 protein (p.Arg1995Gln). The frequency data for this variant in the population databases is considered unreliable, as metrics indicate poor data quality at this position in the gnomAD database. This variant has not been reported in the literature in individuals affected with DSCAML1-related conditions. An algorithm developed to predict the effect of missense changes on protein structure and function (PolyPhen-2) suggests that this variant is likely to be disruptive. In summary, the available evidence is currently insufficient to determine the role of this variant in disease. Therefore, it has been classified as a Variant of Uncertain Significance.